The following is an entry in ClinVar:

ClinVar aggregate classification (germline): Benign/Likely benign. Review status: criteria provided, multiple submitters, no conflicts (2 of 4 stars). 6 submissions from 6 submitters: Benign (2); Likely benign (4). Last evaluated 2026-01-26.

Conditions:
Cardiovascular phenotype. Identifiers: MedGen CN230736.
Alstrom syndrome (ALMS). Identifiers: Orphanet 64, MedGen C0268425, MONDO:0008763, OMIM 203800.

Allele frequency attached by ClinVar (database versions not stated): gnomAD exomes 0.00013 and 0.00035; ExAC 0.00040; 1000 Genomes Project 30x 0.00062; 1000 Genomes Project 0.00080; ESP Exome Variant Server 0.00109; gnomAD 0.00129 and 0.00138; TOPMed 0.00147.
gnomAD v4.1: 415 of 1,614,024 alleles (0.026%); highest among the groups gnomAD compares: African/African-American, 0.45%; 3 homozygotes.

Submissions (6):

Labcorp Genetics (formerly Invitae), Labcorp
Classification: Likely benign for Alstrom syndrome. Last evaluated: 2026-01-26. Review status: criteria provided, single submitter. Criteria: Invitae Variant Classification Sherloc (09022015). Collection method: clinical testing. Allele origin: germline.

Blueprint Genetics
Classification: Likely benign. Last evaluated: 2024-11-01. Review status: criteria provided, single submitter. Criteria: ACMG Guidelines, 2015. Collection method: clinical testing. Allele origin: germline.

GeneDx
Classification: Likely benign. Last evaluated: 2021-03-29. Review status: criteria provided, single submitter. Criteria: GeneDx Variant Classification Process June 2021. Collection method: clinical testing. Allele origin: germline. Affected: yes.

Ambry Genetics
Classification: Benign for Cardiovascular phenotype. Last evaluated: 2019-02-01. Review status: criteria provided, single submitter. Criteria: Ambry Variant Classification Scheme 2023. Collection method: clinical testing. Allele origin: germline.

Women's Health and Genetics/Laboratory Corporation of America, LabCorp
Classification: Benign. Last evaluated: 2016-11-28. Review status: criteria provided, single submitter. Criteria: LabCorp Variant Classification Summary - May 2015. Collection method: clinical testing. Allele origin: germline.
Comment: Variant summary: The c.3729G>A (alternative name c.3735G>A) in ALMS1 gene is a synonymous change that involves a non-conserved nucleotide. 5/5 programs in Alamut predict that this variant does not affect a normal splicing, however no functional studies supporting these predictions were published at the time of evaluation. The variant is present in the large control population dataset of ExAC at a frequency 0.0004 (48/120640 chrs tested), predominantly in individuals of African origin (0.0045; 44/9792 chrs tested). This frequency exceeds the estimated maximal expected allele frequency of a pathogenic variant in ALMS1 gene (0.0022). The variant is present in a control population dataset of gmomAD predominantly in individuals of African origin: 0.0045 (117/ 25854 chrs); however, since the data set is still in beta mode, this data was not captured in pbGP. The c. 3729G>A has not, to our knowledge, been reported in affected individuals via published reports, but is cited as Likely Benign by a reputable database/clinical laboratory. The variant seems to be an ethnic specific polymorphism, therefore it has been classified as Benign.

Eurofins Ntd Llc (ga)
Classification: Likely benign. Last evaluated: 2015-03-05. Review status: criteria provided, single submitter. Criteria: EGL Classification Definitions 2015. Collection method: clinical testing. Allele origin: germline. Observed: 1 variant allele, 1 heterozygote.

NM_001378454.1(ALMS1):c.3732G>A (p.Lys1244=)

Gene: ALMS1 (ALMS1 centrosome and basal body associated protein; plus strand). Cytogenetic location: 2p13.1.
Variant type: single nucleotide variant.
Coding change: c.3732G>A on transcript NM_001378454.1 (MANE Select); coding-DNA position 3732, G replaced by A.
Protein change: p.Lys1244=; no amino-acid change (lysine 1244 retained).
Molecular consequence: synonymous variant.
Genome position (GRCh38, 1-based): chr2:73,450,259, G>A. VCF-style: chr2-73450259-G-A. GRCh37 (hg19) VCF-style: chr2-73677386-G-A.
Other names: c.3735G>A, p.Lys1245= (NM_015120.4).
Identifiers: ClinVar variation 198872 (VCV000198872.20), dbSNP rs140670994, ClinGen allele CA203652.
Genomic context (GRCh38, chr2:73,450,259, plus strand): 5'-AGCTGACCAGAAGACTGGGACACCAACTCCAACCTCTGCTTCTTACTCACACACAGAGAA[G>A]CCTGGTATTTTCTACCAACAGGTCTTGCCAGATAATCATCCAACTGAAGAGGCTCTGAAA-3'
Protein context (NP_001365383.1, residues 1234-1254): PTSASYSHTE[Lys1244=]PGIFYQQVLP